The following is an entry in ClinVar:

NM_000059.4(BRCA2):c.8477A>G (p.Tyr2826Cys)

Gene: BRCA2 (BRCA2 DNA repair associated; plus strand). Cytogenetic location: 13q13.1.
Variant type: single nucleotide variant.
Coding change: c.8477A>G on transcript NM_000059.4 (MANE Select); coding-DNA position 8477, A replaced by G.
Protein change: p.Tyr2826Cys; replaces tyrosine 2826 with cysteine.
Molecular consequence: missense variant.
Genome position (GRCh38, 1-based): chr13:32,370,547, A>G. VCF-style: chr13-32370547-A-G. GRCh37 (hg19) VCF-style: chr13-32944684-A-G.
Other names: short protein forms Y2826C.
Identifiers: ClinVar variation 483033 (VCV000483033.8), dbSNP rs1555287666, ClinGen allele CA387752633.

ClinVar aggregate classification (germline): Uncertain significance. Review status: criteria provided, multiple submitters, no conflicts (2 of 4 stars). 3 submissions from 3 submitters: Uncertain significance (3). Last evaluated 2025-12-18.

Conditions:
Hereditary cancer-predisposing syndrome. Also called: Neoplastic Syndromes, Hereditary; Tumor predisposition; Hereditary Cancer Syndrome; Hereditary neoplastic syndrome. Identifiers: Orphanet 140162, MedGen C0027672, MeSH D009386, MONDO:0015356.
Hereditary breast ovarian cancer syndrome. Also called: Hereditary breast and ovarian cancer syndrome; Hereditary breast and ovarian cancer; Hereditary breast and ovarian cancer syndrome (HBOC); Breast and ovarian cancer; Hereditary breast and/or ovarian cancer syndrome; BRCA1- and BRCA2-Associated Hereditary Breast and Ovarian Cancer. Identifiers: Orphanet 145, MedGen C0677776, MeSH D061325, MONDO:0003582. Disease mechanism: loss of function.
Familial cancer of breast. Also called: BREAST CANCER, FAMILIAL; Hereditary breast cancer; hereditary breast carcinoma. Identifiers: Orphanet 227535, MedGen C0346153, MONDO:0016419, OMIM 114480. Disease mechanism: loss of function.

Submissions (3):

Labcorp Genetics (formerly Invitae), Labcorp
Classification: Uncertain significance for Hereditary breast ovarian cancer syndrome. Last evaluated: 2025-12-18. Review status: criteria provided, single submitter. Criteria: Invitae Variant Classification Sherloc (09022015). Collection method: clinical testing. Allele origin: germline.
Comment: This sequence change replaces tyrosine, which is neutral and polar, with cysteine, which is neutral and slightly polar, at codon 2826 of the BRCA2 protein (p.Tyr2826Cys). This variant is not present in population databases (gnomAD no frequency). This variant has not been reported in the literature in individuals affected with BRCA2-related conditions. ClinVar contains an entry for this variant (Variation ID: 483033). Invitae Evidence Modeling of protein sequence and biophysical properties (such as structural, functional, and spatial information, amino acid conservation, physicochemical variation, residue mobility, and thermodynamic stability) indicates that this missense variant is not expected to disrupt BRCA2 protein function with a negative predictive value of 95%. In summary, the available evidence is currently insufficient to determine the role of this variant in disease. Therefore, it has been classified as a Variant of Uncertain Significance.

Baylor Genetics
Classification: Uncertain significance for Familial cancer of breast. Last evaluated: 2024-02-20. Review status: criteria provided, single submitter. Criteria: ACMG Guidelines, 2015. Collection method: clinical testing. Allele origin: unknown.

Ambry Genetics
Classification: Uncertain significance for Hereditary cancer-predisposing syndrome. Last evaluated: 2016-06-10. Review status: criteria provided, single submitter. Criteria: Ambry Variant Classification Scheme 2023. Collection method: clinical testing. Allele origin: germline.
Comment: The p.Y2826C variant (also known as c.8477A>G), located in coding exon 18 of the BRCA2 gene, results from an A to G substitution at nucleotide position 8477. The tyrosine at codon 2826 is replaced by cysteine, an amino acid with highly dissimilar properties. This variant was not reported in population based cohorts in the following databases: Database of Single Nucleotide Polymorphisms (dbSNP), NHLBI Exome Sequencing Project (ESP), and 1000 Genomes Project. In the ESP, this variant was not observed in 6503 samples (13006 alleles) with coverage at this position. To date, this alteration has been detected with an allele frequency of approximately 0.0003% (greater than 300000 alleles tested) in our clinical cohort. This amino acid position is highly conserved in available vertebrate species. In addition, this alteration is predicted to be deleterious by in silico analysis. Since supporting evidence is limited at this time, the clinical significance of this alteration remains unclear.